The following is an entry in ClinVar:

ClinVar aggregate classification (germline): Pathogenic (1 of 4 stars; one submission).

Conditions:
Zellweger spectrum disorders (ZS). Also called: Zellweger syndrome; Zellweger Spectrum Disorder; Zellweger Spectrum; Zellweger Spectrum Disorder (ZSD). Identifiers: Orphanet 912, MedGen C0043459, MONDO:0019609.

Submission:

Labcorp Genetics (formerly Invitae), Labcorp
Classification: Pathogenic for Zellweger spectrum disorders. Last evaluated: 2025-08-17. Review status: criteria provided, single submitter. Criteria: Invitae Variant Classification Sherloc (09022015). Collection method: clinical testing. Allele origin: germline.
Comment: This sequence change creates a premature translational stop signal (p.Ile989Thrfs*10) in the PEX1 gene. It is expected to result in an absent or disrupted protein product. Loss-of-function variants in PEX1 are known to be pathogenic (PMID: 21031596, 26387595, 31831025). This variant is not present in population databases (gnomAD no frequency). This variant has not been reported in the literature in individuals affected with PEX1-related conditions. Algorithms developed to predict the effect of sequence changes on RNA splicing suggest that this variant may disrupt the consensus splice site. For these reasons, this variant has been classified as Pathogenic.

Literature cited by the submitters: PubMed 21031596; PubMed 26387595; PubMed 31831025.

NM_000466.3(PEX1):c.2966_2969del (p.Ile989fs)

Genes: PEX1 (peroxisomal biogenesis factor 1; minus strand), GATAD1 (GATA zinc finger domain containing 1; plus strand). Cytogenetic location: 7q21.2.
Variant type: Microsatellite.
Coding change: c.2966_2969del on transcript NM_000466.3 (MANE Select); coding-DNA positions 2966 to 2969, 4 bases deleted (TTGA; older notation c.2966_2969delTTGA).
Protein change: p.Ile989fs; shifts the reading frame from isoleucine 989.
Molecular consequence: frameshift variant.
Genome position (GRCh38, 1-based): chr7:92,494,354-92,494,357, TCAA deleted on the plus strand (TTGA on the coding strand, the reverse complement: PEX1 is on the minus strand); deleting any 4 consecutive bases within chr7:92,494,354-92,494,361 gives the same sequence; the c. name uses the placement nearest the transcript's 3' end. VCF-style (leftmost placement, unchanged base first): chr7-92494353-GTCAA-G. GRCh37 (hg19) VCF-style: chr7-92123667-GTCAA-G.
Other names: c.2795_2798del, p.Ile932fs (NM_001282677.2); c.2342_2345del, p.Ile781fs (NM_001282678.2); short protein forms I989fs, I932fs, I781fs.
Identifiers: ClinVar variation 4725385 (VCV004725385.1).